The following is an entry in ClinVar:

NM_001267550.2(TTN):c.105133G>C (p.Asp35045His)

Genes: TTN (titin; minus strand), TTN-AS1 (TTN antisense RNA 1; plus strand), LOC129935185 (ATAC-STARR-seq lymphoblastoid active region 16810; plus strand). Cytogenetic location: 2q31.2.
Variant type: single nucleotide variant.
Coding change: c.105133G>C on transcript NM_001267550.2 (MANE Select); coding-DNA position 105133, G replaced by C.
Protein change: p.Asp35045His; replaces aspartic acid 35045 with histidine.
Molecular consequence: missense variant.
Genome position (GRCh38, 1-based): chr2:178,531,482, C>G on the plus strand (G>C on the coding strand, the complement: TTN is on the minus strand). VCF-style: chr2-178531482-C-G. GRCh37 (hg19) VCF-style: chr2-179396209-C-G.
Other names: c.100210G>C, p.Asp33404His (NM_001256850.1); c.77938G>C, p.Asp25980His (NM_003319.4); c.97429G>C, p.Asp32477His (NM_133378.4); c.78313G>C, p.Asp26105His (NM_133432.3); c.78514G>C, p.Asp26172His (NM_133437.4); short protein forms D32477H, D26172H, D33404H, D35045H, D25980H, D26105H.
Identifiers: ClinVar variation 2927717 (VCV002927717.3), dbSNP rs1689092123, ClinGen allele CA349409421.

ClinVar aggregate classification (germline): Uncertain significance (1 of 4 stars; one submission).

Conditions:
Dilated cardiomyopathy 1G (CMD1G). Identifiers: Orphanet 154, MedGen C1858763, MONDO:0011400, OMIM 604145.
Autosomal recessive limb-girdle muscular dystrophy type 2J (LGMDR10). Also called: Limb-girdle muscular dystrophy, type 2J; MUSCULAR DYSTROPHY, LIMB-GIRDLE, AUTOSOMAL RECESSIVE 10. Identifiers: Orphanet 140922, MedGen C1837342, MONDO:0012127, OMIM 608807.

Allele frequency attached by ClinVar (database versions not stated): gnomAD exomes below 0.00001.
gnomAD v4.1: 3 of 1,613,930 alleles (0.00019%); highest among the groups gnomAD compares: Non-Finnish European, 0.000085%; no homozygotes.

Submission:

Labcorp Genetics (formerly Invitae), Labcorp
Classification: Uncertain significance for Dilated cardiomyopathy 1G; Autosomal recessive limb-girdle muscular dystrophy type 2J. Last evaluated: 2024-07-30. Review status: criteria provided, single submitter. Criteria: Invitae Variant Classification Sherloc (09022015). Collection method: clinical testing. Allele origin: germline.
Comment: This sequence change replaces aspartic acid, which is acidic and polar, with histidine, which is basic and polar, at codon 35045 of the TTN protein (p.Asp35045His). This variant is not present in population databases (gnomAD no frequency). This variant has not been reported in the literature in individuals affected with TTN-related conditions. Experimental studies and prediction algorithms are not available or were not evaluated, and the functional significance of this variant is currently unknown. This variant is located in the M band of TTN (PMID: 25589632). Non-truncating variants in this region may be relevant for neuromuscular disorders, but have not been definitively shown to cause cardiomyopathy (PMID: 23975875). In summary, the available evidence is currently insufficient to determine the role of this variant in disease. Therefore, it has been classified as a Variant of Uncertain Significance.

Literature cited by the submitters: PubMed 25589632; PubMed 23975875.